The following is an entry in ClinVar:

ClinVar aggregate classification (germline): Uncertain significance (1 of 4 stars; one submission).

Conditions:
Joubert syndrome. Also called: JOUBERT-BOLTSHAUSER SYNDROME; Familial aplasia of the vermis. Identifiers: Orphanet 475, MedGen C5979921, MONDO:0018772.
Meckel-Gruber syndrome. Also called: Dysencephalia splachnocystica; DYSENCEPHALIA SPLANCHNOCYSTICA; GRUBER SYNDROME. Identifiers: Orphanet 564, MedGen C0265215, MONDO:0018921.

Allele frequency attached by ClinVar (database versions not stated): gnomAD exomes below 0.00001; ExAC 0.00001.
gnomAD v4.1: 1 of 1,613,828 alleles (0.000062%); highest among the groups gnomAD compares: Middle Eastern, 0.017%; no homozygotes.

Submission:

Labcorp Genetics (formerly Invitae), Labcorp
Classification: Uncertain significance for Joubert syndrome; Meckel-Gruber syndrome. Last evaluated: 2020-07-01. Review status: criteria provided, single submitter. Criteria: Invitae Variant Classification Sherloc (09022015). Collection method: clinical testing. Allele origin: germline.
Comment: This sequence change replaces glutamic acid with lysine at codon 545 of the CC2D2A protein (p.Glu545Lys). The glutamic acid residue is moderately conserved and there is a small physicochemical difference between glutamic acid and lysine. This variant is present in population databases (rs749783221, ExAC 0.006%). This variant has not been reported in the literature in individuals with CC2D2A-related conditions. Algorithms developed to predict the effect of missense changes on protein structure and function output the following: SIFT: "Tolerated"; PolyPhen-2: "Benign"; Align-GVGD: "Class C0". The lysine amino acid residue is found in multiple mammalian species, suggesting that this missense change does not adversely affect protein function. These predictions have not been confirmed by published functional studies and their clinical significance is uncertain. In summary, the available evidence is currently insufficient to determine the role of this variant in disease. Therefore, it has been classified as a Variant of Uncertain Significance.

NM_001378615.1(CC2D2A):c.1633G>A (p.Glu545Lys)

Genes: CC2D2A (coiled-coil and C2 domain containing 2A; plus strand), FBXL5 (F-box and leucine rich repeat protein 5; minus strand). Cytogenetic location: 4p15.32.
Variant type: single nucleotide variant.
Coding change: c.1633G>A on transcript NM_001378615.1 (MANE Select); coding-DNA position 1633, G replaced by A.
Protein change: p.Glu545Lys; replaces glutamic acid 545 with lysine.
Molecular consequence: missense variant.
Genome position (GRCh38, 1-based): chr4:15,536,945, G>A. VCF-style: chr4-15536945-G-A. GRCh37 (hg19) VCF-style: chr4-15538568-G-A.
Other names: c.1633G>A, p.Glu545Lys (NM_001080522.2); c.1486G>A, p.Glu496Lys (NM_001378617.1); short protein forms E496K, E545K.
Identifiers: ClinVar variation 1010088 (VCV001010088.9), dbSNP rs749783221, ClinGen allele CA2863723.